The following is an entry in ClinVar:

NM_001482.3(GATM):c.595A>G (p.Ile199Val)

Gene: GATM (glycine amidinotransferase; minus strand). Cytogenetic location: 15q21.1.
Variant type: single nucleotide variant.
Coding change: c.595A>G on transcript NM_001482.3 (MANE Select); coding-DNA position 595, A replaced by G.
Protein change: p.Ile199Val; replaces isoleucine 199 with valine.
Molecular consequence: missense variant.
Genome position (GRCh38, 1-based): chr15:45,368,150, T>C on the plus strand (A>G on the coding strand, the complement: GATM is on the minus strand). VCF-style: chr15-45368150-T-C. GRCh37 (hg19) VCF-style: chr15-45660348-T-C.
Other names: c.208A>G, p.Ile70Val (NM_001321015.2); short protein forms I199V, I70V.
Identifiers: ClinVar variation 2632252 (VCV002632252.5), dbSNP rs1595483270, ClinGen allele CA392260893.
Genomic context (GRCh38, chr15:45,368,150, plus strand): 5'-CCATTGTGGGCTTAGGAGCTGTTGTCCACTTGGCGCCACGGTGGAAGTAGTCTTTGATAA[T>C]TGACCTGTACGCTCGGTACTCAAAGAAGCGTGAACGCCATGCCATGGGAGCCTCGATAAT-3'
Protein context (NP_001473.1, residues 189-209): RFFEYRAYRS[Ile199Val]IKDYFHRGAK

ClinVar aggregate classification (germline): Uncertain significance. Review status: criteria provided, multiple submitters, no conflicts (2 of 4 stars). 2 submissions from 2 submitters: Uncertain significance (2). Last evaluated 2025-01-23.

Conditions:
Arginine:glycine amidinotransferase deficiency (CCDS3). Also called: AGAT deficiency; L-Arginine:Glycine Amidinotransferase (AGAT) Deficiency; L-Arginine:Glycine Amidinotransferase Deficiency; Creatine deficiency syndrome due to AGAT deficiency; GATM deficiency; Cerebral creatine deficiency syndrome 3. Identifiers: Orphanet 35704, MedGen C2675179, MONDO:0012996, OMIM 612718.
GATM-related disorder. Also called: GATM-related condition.

Allele frequency attached by ClinVar (database versions not stated): gnomAD exomes below 0.00001.
gnomAD v4.1: 1 of 1,614,100 alleles (0.000062%); highest among the groups gnomAD compares: Non-Finnish European, 0.000085%; no homozygotes.

Submissions (2):

PreventionGenetics, part of Exact Sciences
Classification: Uncertain significance for GATM-related condition. Last evaluated: 2025-01-23. Review status: criteria provided, single submitter. Criteria: ACMG Guidelines, 2015. Collection method: clinical testing. Allele origin: germline.
Comment: The GATM c.595A>G variant is predicted to result in the amino acid substitution p.Ile199Val. To our knowledge, this variant has not been reported in the literature or in a large population database, indicating this variant is rare. At this time, the clinical significance of this variant is uncertain due to the absence of conclusive functional and genetic evidence.

Labcorp Genetics (formerly Invitae), Labcorp
Classification: Uncertain significance for Arginine:glycine amidinotransferase deficiency. Last evaluated: 2023-07-17. Review status: criteria provided, single submitter. Criteria: Invitae Variant Classification Sherloc (09022015). Collection method: clinical testing. Allele origin: germline.
Comment: In summary, the available evidence is currently insufficient to determine the role of this variant in disease. Therefore, it has been classified as a Variant of Uncertain Significance. Advanced modeling of protein sequence and biophysical properties (such as structural, functional, and spatial information, amino acid conservation, physicochemical variation, residue mobility, and thermodynamic stability) performed at Invitae indicates that this missense variant is not expected to disrupt GATM protein function. This variant has not been reported in the literature in individuals affected with GATM-related conditions. This variant is not present in population databases (gnomAD no frequency). This sequence change replaces isoleucine, which is neutral and non-polar, with valine, which is neutral and non-polar, at codon 199 of the GATM protein (p.Ile199Val).